The following is an entry in ClinVar:

NM_000053.4(ATP7B):c.2276G>A (p.Ser759Asn)

Gene: ATP7B (ATPase copper transporting beta; minus strand). Cytogenetic location: 13q14.3.
Variant type: single nucleotide variant.
Coding change: c.2276G>A on transcript NM_000053.4 (MANE Select); coding-DNA position 2276, G replaced by A.
Protein change: p.Ser759Asn; replaces serine 759 with asparagine.
Molecular consequence: missense variant. On other transcripts: intron variant (14).
Genome position (GRCh38, 1-based): chr13:51,958,390, C>T on the plus strand (G>A on the coding strand, the complement: ATP7B is on the minus strand). VCF-style: chr13-51958390-C-T. GRCh37 (hg19) VCF-style: chr13-52532526-C-T.
Other names: c.1943G>A, p.Ser648Asn (NM_001243182.2); c.2024G>A, p.Ser675Asn (NM_001330579.2, NM_001406531.1, NM_001406532.1 and 1 more transcripts); c.2276G>A, p.Ser759Asn (NM_001406511.1, NM_001406512.1, NM_001406513.1 and 7 more transcripts); c.2243G>A, p.Ser748Asn (NM_001406514.1); c.2180G>A, p.Ser727Asn (NM_001406517.1, NM_001406518.1); c.2132G>A, p.Ser711Asn (NM_001406520.1, NM_001406521.1, NM_001406522.1 and 1 more transcripts); c.2099G>A, p.Ser700Asn (NM_001406524.1); c.2036G>A, p.Ser679Asn (NM_001406530.1); and 8 more; short protein forms S711N, S748N, S759N, S643N, S675N, S616N, S700N, S727N.
Identifiers: ClinVar variation 5003313 (VCV005003313.1).
Genomic context (GRCh38, chr13:51,958,390, plus strand): 5'-CACCGGCCCAGGGCAATGAACACAAAGAGCATGGGGGGCGTGTCGAAGAATGTCACAGGG[C>T]TCCTCTCCGCCTTCTCAGCCACAGCAACCACCAGGATGACCAGAGAATAAACATAAGCAA-3'
Protein context (NP_000044.2, residues 749-769): VVAVAEKAER[Ser759Asn]PVTFFDTPPM

ClinVar aggregate classification (germline): Uncertain significance (1 of 4 stars; one submission).

Conditions:
Wilson disease (WND). Also called: Wilson's disease. Identifiers: Orphanet 905, MedGen C0019202, MONDO:0010200, OMIM 277900. Disease mechanism: loss of function.

Submission:

Myriad Genetics, Inc.
Classification: Uncertain significance for Wilson disease. Last evaluated: 2026-08-26. Review status: criteria provided, single submitter. Criteria: Myriad Autosomal Dominant, Autosomal Recessive and X-Linked Classification Criteria (2023). Collection method: clinical testing. Allele origin: unknown.
Comment: NM_000053.3(ATP7B):c.2276G>A(S759N) is a missense variant classified as a variant of uncertain significance in the context of Wilson disease. S759N has been observed in a case with relevant disease (PMID: 35220961). Relevant functional assessments of this variant are not available in the literature. S759N has not been observed in referenced population frequency databases. In summary, there is insufficient evidence to classify NM_000053.3(ATP7B):c.2276G>A(S759N) as pathogenic or benign. Please note: this variant was assessed in the context of healthy population screening.

Literature cited by the submitters: PubMed 35220961.